The following is an entry in ClinVar:

NM_018060.4(IARS2):c.2751+3A>G

Gene: IARS2 (isoleucyl-tRNA synthetase 2, mitochondrial; plus strand). Cytogenetic location: 1q41.
Variant type: single nucleotide variant.
Coding change: c.2751+3A>G on transcript NM_018060.4 (MANE Select); 3 bases into the intron after coding-DNA position 2751, A replaced by G.
Molecular consequence: intron variant.
Genome position (GRCh38, 1-based): chr1:220,143,137, A>G. VCF-style: chr1-220143137-A-G. GRCh37 (hg19) VCF-style: chr1-220316479-A-G.
Identifiers: ClinVar variation 2002072 (VCV002002072.4), dbSNP rs1657523106, ClinGen allele CA1222288710.

ClinVar aggregate classification (germline): Uncertain significance (1 of 4 stars; one submission).

Submission:

Labcorp Genetics (formerly Invitae), Labcorp
Classification: Uncertain significance. Last evaluated: 2024-06-03. Review status: criteria provided, single submitter. Criteria: Invitae Variant Classification Sherloc (09022015). Collection method: clinical testing. Allele origin: germline.
Comment: This sequence change falls in intron 21 of the IARS2 gene. It does not directly change the encoded amino acid sequence of the IARS2 protein. It affects a nucleotide within the consensus splice site. This variant is not present in population databases (gnomAD no frequency). This variant has not been reported in the literature in individuals affected with IARS2-related conditions. ClinVar contains an entry for this variant (Variation ID: 2002072). Variants that disrupt the consensus splice site are a relatively common cause of aberrant splicing (PMID: 17576681, 9536098). Algorithms developed to predict the effect of sequence changes on RNA splicing suggest that this variant may disrupt the consensus splice site. In summary, the available evidence is currently insufficient to determine the role of this variant in disease. Therefore, it has been classified as a Variant of Uncertain Significance.

Literature cited by the submitters: PubMed 17576681; PubMed 9536098.